The following is an entry in ClinVar:

NM_024312.5(GNPTAB):c.2614del (p.Val872fs)

Gene: GNPTAB (N-acetylglucosamine-1-phosphate transferase subunits alpha and beta; minus strand). Cytogenetic location: 12q23.2.
Variant type: Deletion.
Coding change: c.2614del on transcript NM_024312.5 (MANE Select); coding-DNA position 2614, one base deleted (G; older notation c.2614delG).
Protein change: p.Val872fs; shifts the reading frame from valine 872.
Molecular consequence: frameshift variant.
Genome position (GRCh38, 1-based): chr12:101,764,303, C deleted on the plus strand (G on the coding strand, the reverse complement: GNPTAB is on the minus strand). VCF-style (leftmost placement, unchanged base first): chr12-101764302-AC-A. GRCh37 (hg19) VCF-style: chr12-102158080-AC-A.
Other names: short protein forms V872fs.
Identifiers: ClinVar variation 397561 (VCV000397561.3), dbSNP rs1060499681, ClinGen allele CA16609429.

ClinVar aggregate classification (germline): Likely pathogenic (1 of 4 stars; one submission).

Conditions:
Mucolipidosis type II. Also called: ML II ALPHA/BETA; Mucolipidosis 2; ML 2; Inclusion cell disease; Leroy Disease; N-acetylglucosamine 1phosphotransferase deficiency. Identifiers: Orphanet 576, MedGen C2673377, MONDO:0009650, OMIM 252500.
Pseudo-Hurler polydystrophy. Also called: ML III; ML III ALPHA/BETA; Mucolipidosis III Alpha/Beta; Type III Mucolipidosis; ML IIIA; MUCOLIPIDOSIS IIIA. Identifiers: Orphanet 423461, Orphanet 577, MedGen C0033788, MONDO:0018931, OMIM 252600.

Submission:

Diagnostics Division, CENTRE FOR DNA FINGERPRINTING AND DIAGNOSTICS
Classification: Likely pathogenic for Mucolipidosis type II; Pseudo-Hurler polydystrophy. Last evaluated: 2016-01-01. Review status: criteria provided, single submitter. Criteria: ACMG Guidelines, 2015. Collection method: research. Allele origin: unknown. Affected: yes. Observed: 1 homozygote.
Comment: Inframe deletion variant